The following is an entry in ClinVar:

NM_170744.5(UNC5B):c.558A>G (p.Glu186=)

Gene: UNC5B (unc-5 netrin receptor B; plus strand). Cytogenetic location: 10q22.1.
Variant type: single nucleotide variant.
Coding change: c.558A>G on transcript NM_170744.5 (MANE Select); coding-DNA position 558, A replaced by G.
Protein change: p.Glu186=; no amino-acid change (glutamic acid 186 retained).
Molecular consequence: synonymous variant.
Genome position (GRCh38, 1-based): chr10:71,286,694, A>G. VCF-style: chr10-71286694-A-G. GRCh37 (hg19) VCF-style: chr10-73046451-A-G.
Other names: c.558A>G, p.Glu186= (NM_001244889.2).
Identifiers: ClinVar variation 2640565 (VCV002640565.24), dbSNP rs61746223, ClinGen allele CA5541893.

ClinVar aggregate classification (germline): Likely benign (1 of 4 stars; one submission).

Allele frequency attached by ClinVar (database versions not stated): gnomAD exomes 0.00152; gnomAD 0.00178; ESP Exome Variant Server 0.00200; TOPMed 0.00203; ExAC 0.00219.
gnomAD v4.1: 2,697 of 1,614,056 alleles (0.17%); highest among the groups gnomAD compares: Non-Finnish European, 0.035%; 67 homozygotes.

Submission:

CeGaT Center for Human Genetics Tuebingen
Classification: Likely benign. Last evaluated: 2023-04-01. Review status: criteria provided, single submitter. Criteria: CeGaT Center For Human Genetics Tuebingen Variant Classification Criteria Version 2. Collection method: clinical testing. Allele origin: germline. Affected: yes. Observed: 1 variant allele.
Comment: UNC5B: BP4, BP7